The following is an entry in ClinVar:

NM_001122752.2(SERPINI1):c.1222G>A (p.Glu408Lys)

Gene: SERPINI1 (serpin family I member 1; plus strand). Cytogenetic location: 3q26.1.
Variant type: single nucleotide variant.
Coding change: c.1222G>A on transcript NM_001122752.2 (MANE Select); coding-DNA position 1222, G replaced by A.
Protein change: p.Glu408Lys; replaces glutamic acid 408 with lysine.
Molecular consequence: missense variant.
Genome position (GRCh38, 1-based): chr3:167,825,312, G>A. VCF-style: chr3-167825312-G-A. GRCh37 (hg19) VCF-style: chr3-167543100-G-A.
Other names: c.1222G>A, p.Glu408Lys (NM_005025.5); short protein forms E408K.
Identifiers: ClinVar variation 951683 (VCV000951683.10), dbSNP rs756112704, ClinGen allele CA2695021.

ClinVar aggregate classification (germline): Uncertain significance. Review status: criteria provided, multiple submitters, no conflicts (2 of 4 stars). 2 submissions from 2 submitters: Uncertain significance (2). Last evaluated 2025-08-11.

Conditions:
Inborn genetic diseases. Identifiers: MedGen C0950123, MeSH D030342.
Familial encephalopathy with neuroserpin inclusion bodies. Also called: ENCEPHALOPATHY, FAMILIAL, WITH COLLINS BODIES. Identifiers: Orphanet 85110, MedGen C1858680, MONDO:0011412, OMIM 604218.

Allele frequency attached by ClinVar (database versions not stated): gnomAD exomes 0.00001; ExAC 0.00002; gnomAD 0.00003 and 0.00004; TOPMed 0.00003.
gnomAD v4.1: 18 of 1,609,888 alleles (0.0011%); highest among the groups gnomAD compares: Admixed American, 0.005%; no homozygotes.

Submissions (2):

Labcorp Genetics (formerly Invitae), Labcorp
Classification: Uncertain significance for Familial encephalopathy with neuroserpin inclusion bodies. Last evaluated: 2025-08-11. Review status: criteria provided, single submitter. Criteria: Invitae Variant Classification Sherloc (09022015). Collection method: clinical testing. Allele origin: germline.
Comment: This sequence change replaces glutamic acid, which is acidic and polar, with lysine, which is basic and polar, at codon 408 of the SERPINI1 protein (p.Glu408Lys). This variant is present in population databases (rs756112704, gnomAD 0.004%). This variant has not been reported in the literature in individuals affected with SERPINI1-related conditions. ClinVar contains an entry for this variant (Variation ID: 951683). Invitae Evidence Modeling of protein sequence and biophysical properties (such as structural, functional, and spatial information, amino acid conservation, physicochemical variation, residue mobility, and thermodynamic stability) indicates that this missense variant is not expected to disrupt SERPINI1 protein function with a negative predictive value of 95%. Algorithms developed to predict the effect of sequence changes on RNA splicing suggest that this variant may disrupt the consensus splice site. In summary, the available evidence is currently insufficient to determine the role of this variant in disease. Therefore, it has been classified as a Variant of Uncertain Significance.

Ambry Genetics
Classification: Uncertain significance for Inborn genetic diseases. Last evaluated: 2025-06-16. Review status: criteria provided, single submitter. Criteria: Ambry Variant Classification Scheme 2023. Collection method: clinical testing. Allele origin: germline.